The following is an entry in ClinVar:

NM_004278.4(PIGL):c.8C>T (p.Ala3Val)

Genes: PIGL (phosphatidylinositol glycan anchor biosynthesis class L; plus strand), LOC130060313 (ATAC-STARR-seq lymphoblastoid active region 11748; plus strand). Cytogenetic location: 17p11.2.
Variant type: single nucleotide variant.
Coding change: c.8C>T on transcript NM_004278.4 (MANE Select); coding-DNA position 8, C replaced by T.
Protein change: p.Ala3Val; replaces alanine 3 with valine.
Molecular consequence: missense variant.
Genome position (GRCh38, 1-based): chr17:16,217,234, C>T. VCF-style: chr17-16217234-C-T. GRCh37 (hg19) VCF-style: chr17-16120548-C-T.
Other names: p.Ala3Val; c.8C>T, p.Ala3Val (NM_001411072.1); short protein forms A3V.
Identifiers: ClinVar variation 3932200 (VCV003932200.2).

ClinVar aggregate classification (germline): Conflicting classifications of pathogenicity. Review status: criteria provided, conflicting classifications (1 of 4 stars). 2 submissions from 2 submitters: Uncertain significance (1); Likely benign (1). Last evaluated 2025-06-07.

Conditions:
Inborn genetic diseases. Identifiers: MedGen C0950123, MeSH D030342.

gnomAD v4.1: 4 of 1,613,984 alleles (0.00025%); highest among the groups gnomAD compares: Admixed American, 0.0067%; no homozygotes.

Submissions (2):

Ambry Genetics
Classification: Likely benign for Inborn genetic diseases. Last evaluated: 2025-06-07. Review status: criteria provided, single submitter. Criteria: Ambry Variant Classification Scheme 2023. Collection method: clinical testing. Allele origin: germline.

Mayo Clinic Laboratories, Mayo Clinic
Classification: Uncertain significance. Last evaluated: 2024-12-25. Review status: criteria provided, single submitter. Criteria: ACMG Guidelines, 2015. Collection method: clinical testing. Allele origin: germline. Observed: 1 variant allele.
Comment: BP4, PM2_supporting